The following is an entry in ClinVar:

ClinVar aggregate classification (germline): Uncertain significance. Review status: criteria provided, single submitter (1 of 4 stars). 2 submissions from 2 submitters: Uncertain significance (1). 1 of the submissions does not count toward it. Last evaluated 2024-02-23.

Conditions:
KIDINS220-related disorder. Also called: KIDINS220-related condition.

Allele frequency attached by ClinVar (database versions not stated): gnomAD exomes below 0.00001; gnomAD 0.00001; TOPMed 0.00001.
gnomAD v4.1: 2 of 1,614,082 alleles (0.00012%); highest among the groups gnomAD compares: Admixed American, 0.0033%; no homozygotes.

Submissions (2):

Labcorp Genetics (formerly Invitae), Labcorp
Classification: Uncertain significance. Last evaluated: 2024-02-23. Review status: criteria provided, single submitter. Criteria: Invitae Variant Classification Sherloc (09022015). Collection method: clinical testing. Allele origin: germline.
Comment: This sequence change replaces alanine, which is neutral and non-polar, with threonine, which is neutral and polar, at codon 1669 of the KIDINS220 protein (p.Ala1669Thr). This variant is present in population databases (no rsID available, gnomAD 0.003%). This variant has not been reported in the literature in individuals affected with KIDINS220-related conditions. ClinVar contains an entry for this variant (Variation ID: 1950470). Algorithms developed to predict the effect of missense changes on protein structure and function output the following: SIFT: "Not Available"; PolyPhen-2: "Benign"; Align-GVGD: "Not Available". The threonine amino acid residue is found in multiple mammalian species, which suggests that this missense change does not adversely affect protein function. In summary, the available evidence is currently insufficient to determine the role of this variant in disease. Therefore, it has been classified as a Variant of Uncertain Significance.

PreventionGenetics, part of Exact Sciences
Classification: Uncertain significance for KIDINS220-related condition. Last evaluated: 2024-01-02. Review status: no assertion criteria provided. Collection method: clinical testing. Allele origin: germline. Not counted in ClinVar's aggregate classification.
Comment: The KIDINS220 c.5005G>A variant is predicted to result in the amino acid substitution p.Ala1669Thr. To our knowledge, this variant has not been reported in the literature. This variant is reported in 0.0029% of alleles in individuals of Latino descent in gnomAD. At this time, the clinical significance of this variant is uncertain due to the absence of conclusive functional and genetic evidence.

NM_020738.4(KIDINS220):c.5005G>A (p.Ala1669Thr)

Gene: KIDINS220 (kinase D interacting substrate 220; minus strand). Cytogenetic location: 2p25.1.
Variant type: single nucleotide variant.
Coding change: c.5005G>A on transcript NM_020738.4 (MANE Select); coding-DNA position 5005, G replaced by A.
Protein change: p.Ala1669Thr; replaces alanine 1669 with threonine.
Molecular consequence: missense variant. On other transcripts: intron variant (6).
Genome position (GRCh38, 1-based): chr2:8,731,031, C>T on the plus strand (G>A on the coding strand, the complement: KIDINS220 is on the minus strand). VCF-style: chr2-8731031-C-T. GRCh37 (hg19) VCF-style: chr2-8871161-C-T.
Other names: c.5008G>A, p.Ala1670Thr (NM_001348729.2); c.4951G>A, p.Ala1651Thr (NM_001348731.2); c.4948G>A, p.Ala1650Thr (NM_001348732.2); c.4837G>A, p.Ala1613Thr (NM_001348734.2); c.4834G>A, p.Ala1612Thr (NM_001348735.2); c.4708G>A, p.Ala1570Thr (NM_001348736.2); c.3882+2413G>A (NM_001348741.2, NM_001348742.2, NM_001348743.2); c.3996+2413G>A (NM_001348738.2); and 2 more; short protein forms A1570T, A1651T, A1670T, A1612T, A1613T, A1650T, A1669T.
Identifiers: ClinVar variation 1950470 (VCV001950470.6), dbSNP rs1373949218, ClinGen allele CA345762156.